The following is an entry in ClinVar:

NC_000015.10:g.(?_38299373)_(38357249_?)del

Gene: SPRED1 (sprouty related EVH1 domain containing 1; plus strand). Cytogenetic location: 15q14.
Variant type: Deletion.
Identifiers: ClinVar variation 417474 (VCV000417474.1).

ClinVar aggregate classification (germline): Pathogenic (1 of 4 stars; one submission).

Conditions:
Legius syndrome. Identifiers: Orphanet 137605, MedGen C1969623, MONDO:0012669, OMIM 611431. Disease mechanism: loss of function.

Submission:

Labcorp Genetics (formerly Invitae), Labcorp
Classification: Pathogenic for Legius syndrome. Last evaluated: 2016-11-10. Review status: criteria provided, single submitter. Criteria: Invitae Variant Classification Sherloc (09022015). Collection method: clinical testing. Allele origin: germline.
Comment: This variant is a gross deletion of the genomic region encompassing exons 2-7 of the SPRED1 gene. The 5' boundary is likely confined to intron 1. The 3' end of this event is unknown as it extends through the termination codon beyond the assayed region for this gene and may encompass additional genes. While this deletion is not anticipated to result in nonsense mediated decay, it is expected to create a truncated SPRED1 protein. This variant has not been reported in the literature in individuals with a SPRED1-related disease. Several different truncating variants in exon 7 have been determined to be pathogenic (p.Met266VAlfs*4, p.385Ilefs*20) (PMID: 17704776, 22751498). This suggests that deletion of this region of the SPRED1 protein is causative of disease. For these reasons, this variant has been classified as Pathogenic.